The following is an entry in ClinVar:

ClinVar aggregate classification (germline): Pathogenic. Review status: reviewed by expert panel (3 of 4 stars). 3 submissions from 3 submitters: Pathogenic (1). 2 of the submissions do not count toward it. Last evaluated 2013-09-05.

Conditions:
Hereditary nonpolyposis colorectal neoplasms. Identifiers: MedGen C0009405, MeSH D003123.
Lynch syndrome. Identifiers: Orphanet 144, MedGen C4552100, MONDO:0005835. Disease mechanism: loss of function.
Lynch syndrome 5 (LYNCH5). Also called: Colorectal cancer, hereditary nonpolyposis, type 5; Hereditary non-polyposis colorectal cancer, type 5. Identifiers: Orphanet 144, MedGen C1833477, MONDO:0013710, OMIM 614350. Disease mechanism: loss of function.

Submissions (3):

International Society for Gastrointestinal Hereditary Tumours (InSiGHT)
Classification: Pathogenic for Lynch Syndrome. Last evaluated: 2013-09-05. Review status: reviewed by expert panel. Criteria: Guidelines v1.9. Collection method: research. Allele origin: germline.
Comment: Coding sequence variation resulting in a stop codon

Classified with v1.9 guidelines

Labcorp Genetics (formerly Invitae), Labcorp
Classification: Pathogenic for Hereditary nonpolyposis colorectal neoplasms. Last evaluated: 2025-03-23. Review status: criteria provided, single submitter. Criteria: Invitae Variant Classification Sherloc (09022015). Collection method: clinical testing. Allele origin: germline. Not counted in ClinVar's aggregate classification.
Comment: This sequence change creates a premature translational stop signal (p.Glu272*) in the MSH6 gene. It is expected to result in an absent or disrupted protein product. Loss-of-function variants in MSH6 are known to be pathogenic (PMID: 18269114, 24362816). This variant is not present in population databases (gnomAD no frequency). This premature translational stop signal has been observed in individual(s) with MSH6-related conditions (PMID: 17117178). ClinVar contains an entry for this variant (Variation ID: 89569). For these reasons, this variant has been classified as Pathogenic.

Myriad Genetics, Inc.
Classification: Pathogenic for Lynch syndrome 5. Last evaluated: 2023-08-10. Review status: criteria provided, single submitter. Criteria: Myriad Autosomal Dominant, Autosomal Recessive and X-Linked Classification Criteria (2023). Collection method: clinical testing. Allele origin: unknown. Not counted in ClinVar's aggregate classification.
Comment: This variant is considered pathogenic. This variant creates a termination codon and is predicted to result in premature protein truncation.

Literature cited by the submitters: PubMed 18269114 (cited by Labcorp Genetics (formerly Invitae), Labcorp); PubMed 24362816 (cited by Labcorp Genetics (formerly Invitae), Labcorp); PubMed 17117178 (cited by Labcorp Genetics (formerly Invitae), Labcorp).

NM_000179.3(MSH6):c.814G>T (p.Glu272Ter)

Gene: MSH6 (mutS homolog 6; plus strand). Cytogenetic location: 2p16.3.
Variant type: single nucleotide variant.
Coding change: c.814G>T on transcript NM_000179.3 (MANE Select); coding-DNA position 814, G replaced by T.
Protein change: p.Glu272Ter; replaces glutamic acid 272 with a stop codon.
Molecular consequence: nonsense. On other transcripts: 5 prime UTR variant (2).
Genome position (GRCh38, 1-based): chr2:47,798,797, G>T. VCF-style: chr2-47798797-G-T. GRCh37 (hg19) VCF-style: chr2-48025936-G-T.
Other names: c.424G>T, p.Glu142Ter (NM_001281492.2); c.-93G>T (NM_001281493.2, NM_001281494.2); short protein forms E272*, E142*.
Identifiers: ClinVar variation 89569 (VCV000089569.5), dbSNP rs63750552, ClinGen allele CA016485.
Genomic context (GRCh38, chr2:47,798,797, plus strand): 5'-TCAGATTCTGAGAGTGACATTGGTGGCTCTGATGTGGAATTTAAGCCAGACACTAAGGAG[G>T]AAGGAAGCAGTGATGAAATAAGCAGTGGAGTGGGGGATAGTGAGAGTGAAGGCCTGAACA-3'